The following is an entry in ClinVar:

NM_006084.5(IRF9):c.87C>T (p.Cys29=)

Gene: IRF9 (interferon regulatory factor 9; plus strand). Cytogenetic location: 14q12.
Variant type: single nucleotide variant.
Coding change: c.87C>T on transcript NM_006084.5 (MANE Select); coding-DNA position 87, C replaced by T.
Protein change: p.Cys29=; no amino-acid change (cysteine 29 retained).
Molecular consequence: synonymous variant.
Genome position (GRCh38, 1-based): chr14:24,162,231, C>T. VCF-style: chr14-24162231-C-T. GRCh37 (hg19) VCF-style: chr14-24631440-C-T.
Identifiers: ClinVar variation 781705 (VCV000781705.35), dbSNP rs145197850, ClinGen allele CA7126343.
Genomic context (GRCh38, chr14:24,162,231, plus strand): 5'-CCGAAAACTCCGGAACTGGGTGGTGGAGCAAGTGGAGAGTGGGCAGTTTCCCGGAGTGTG[C>T]TGGGATGATACAGCTAAGACCATGTTCCGGATTCCCTGGAAACATGCAGGCAAGCAGGAC-3'
Protein context (NP_006075.3, residues 19-39): QVESGQFPGV[Cys29=]WDDTAKTMFR

ClinVar aggregate classification (germline): Benign/Likely benign. Review status: criteria provided, multiple submitters, no conflicts (2 of 4 stars). 5 submissions from 5 submitters: Benign (2); Likely benign (2). 1 of the submissions does not count toward it. Last evaluated 2026-07-01.

Conditions:
IRF9-related disorder. Also called: IRF9-related condition.

Allele frequency attached by ClinVar (database versions not stated): 1000 Genomes Project 30x 0.00141; 1000 Genomes Project 0.00160; ExAC 0.00311; TOPMed 0.00315; gnomAD exomes 0.00330 and 0.00520; gnomAD 0.00371 and 0.00361; ESP Exome Variant Server 0.00354.
gnomAD v4.1: 8,124 of 1,614,118 alleles (0.5%); highest among the groups gnomAD compares: Non-Finnish European, 0.62%; 26 homozygotes.

Submissions (5):

CeGaT Center for Human Genetics Tuebingen
Classification: Likely benign. Last evaluated: 2026-07-01. Review status: criteria provided, single submitter. Criteria: CeGaT Center For Human Genetics Tuebingen Variant Classification Criteria Version 2. Collection method: clinical testing. Allele origin: germline. Affected: yes. Observed: 6 variant alleles.
Comment: IRF9: BP4, BS2

Labcorp Genetics (formerly Invitae), Labcorp
Classification: Benign. Last evaluated: 2026-02-04. Review status: criteria provided, single submitter. Criteria: Invitae Variant Classification Sherloc (09022015). Collection method: clinical testing. Allele origin: germline.

Blueprint Genetics
Classification: Likely benign. Last evaluated: 2024-11-27. Review status: criteria provided, single submitter. Criteria: ACMG Guidelines, 2015. Collection method: clinical testing. Allele origin: germline.

Breakthrough Genomics
Classification: Benign. Review status: criteria provided, single submitter. Criteria: ACMG Guidelines, 2015. Collection method: not provided. Allele origin: germline. Inheritance: Autosomal recessive inheritance. Affected: yes.

PreventionGenetics, part of Exact Sciences
Classification: Likely benign for IRF9-related condition. Last evaluated: 2023-10-05. Review status: no assertion criteria provided. Collection method: clinical testing. Allele origin: germline. Not counted in ClinVar's aggregate classification.
Comment: This variant is classified as likely benign based on ACMG/AMP sequence variant interpretation guidelines (Richards et al. 2015 PMID: 25741868, with internal and published modifications).